The following is an entry in ClinVar:

ClinVar aggregate classification (germline): Uncertain significance (1 of 4 stars; one submission).

Conditions:
Intellectual developmental disorder with severe speech and ambulation defects. Identifiers: MedGen C5193115, MONDO:0032770, OMIM 618470.

gnomAD v4.1: 4 of 1,613,946 alleles (0.00025%); highest among the groups gnomAD compares: Non-Finnish European, 0.00025%; no homozygotes.

Submission:

Victorian Clinical Genetics Services, Murdoch Childrens Research Institute
Classification: Uncertain significance for Intellectual developmental disorder with severe speech and ambulation defects. Last evaluated: 2021-05-06. Review status: criteria provided, single submitter. Criteria: ACMG Guidelines, 2015. Collection method: clinical testing. Allele origin: germline.
Comment: Based on the classification scheme VCGS_Germline_v1.3.4, this variant is classified as VUS-3A. Following criteria are met: 0102 - Loss of function is a known mechanism of disease in this gene and is associated with autosomal recessive developmental and epileptic encephalopathy (MIM#618468). Gain-of-function is postulated for autosomal dominant intellectual developmental disorder with severe speech and ambulation defects (MIM#618470). (I) 0108 - This gene is associated with both recessive and dominant disease. While the genotype-phenotype correlation is currently unestablished, only two variants have been reported for the autosomal dominant condition p.(Asp77Gly) and p.(Gly343Arg) (PMID: 31031012). (I) 0200 - Variant is predicted to result in a missense amino acid change from proline to threonine. (I) 0251 - This variant is heterozygous. (I) 0301 - Variant is absent from gnomAD (both v2 and v3). (SP) 0502 - Missense variant with conflicting in silico predictions and uninformative conservation. (I) 0603 - Missense variant in a region that is highly intolerant to missense variation (high constraint region in DECIPHER). (SP) 0705 - No comparable missense variants have previous evidence for pathogenicity. (I) 0807 - This variant has no previous evidence of pathogenicity. (I) 0905 - No published segregation evidence has been identified for this variant. (I) 1007 - No published functional evidence has been identified for this variant. (I) 1208 - Inheritance information for this variant is not currently available in this individual. (I) Legend: (SP) - Supporting pathogenic, (I) - Information, (SB) - Supporting benign

Literature cited by the submitters: PubMed 31031012.

NM_016188.5(ACTL6B):c.922C>A (p.Pro308Thr)

Gene: ACTL6B (actin like 6B; minus strand). Cytogenetic location: 7q22.1.
Variant type: single nucleotide variant.
Coding change: c.922C>A on transcript NM_016188.5 (MANE Select); coding-DNA position 922, C replaced by A.
Protein change: p.Pro308Thr; replaces proline 308 with threonine.
Molecular consequence: missense variant. On other transcripts: non-coding transcript variant (1).
Genome position (GRCh38, 1-based): chr7:100,646,985, G>T on the plus strand (C>A on the coding strand, the complement: ACTL6B is on the minus strand). VCF-style: chr7-100646985-G-T. GRCh37 (hg19) VCF-style: chr7-100244608-G-T.
Other names: short protein forms P308T.
Identifiers: ClinVar variation 3376890 (VCV003376890.1).